The following is an entry in ClinVar:

NM_153603.4(COG7):c.1529T>C (p.Leu510Pro)

Gene: COG7 (component of oligomeric golgi complex 7; minus strand). Cytogenetic location: 16p12.2.
Variant type: single nucleotide variant.
Coding change: c.1529T>C on transcript NM_153603.4 (MANE Select); coding-DNA position 1529, T replaced by C.
Protein change: p.Leu510Pro; replaces leucine 510 with proline.
Molecular consequence: missense variant.
Genome position (GRCh38, 1-based): chr16:23,406,209, A>G on the plus strand (T>C on the coding strand, the complement: COG7 is on the minus strand). VCF-style: chr16-23406209-A-G. GRCh37 (hg19) VCF-style: chr16-23417530-A-G.
Other names: short protein forms L510P.
Identifiers: ClinVar variation 1032505 (VCV001032505.6), dbSNP rs202221877, ClinGen allele CA7960936.

ClinVar aggregate classification (germline): Uncertain significance. Review status: criteria provided, multiple submitters, no conflicts (2 of 4 stars). 3 submissions from 3 submitters: Uncertain significance (3). Last evaluated 2025-11-03.

Conditions:
Inborn genetic diseases. Identifiers: MedGen C0950123, MeSH D030342.
COG7 congenital disorder of glycosylation (CDG2E). Also called: CONGENITAL DISORDER OF GLYCOSYLATION, TYPE IIe; CDG IIe. Identifiers: Orphanet 79333, MedGen C2931010, MONDO:0012118, OMIM 608779.

Allele frequency attached by ClinVar (database versions not stated): TOPMed 0.00001; ExAC 0.00002; gnomAD exomes 0.00002 and 0.00004; gnomAD 0.00003 and 0.00004.
gnomAD v4.1: 71 of 1,614,076 alleles (0.0044%); highest among the groups gnomAD compares: African/African-American, 0.0053%; no homozygotes.

Submissions (3):

Ambry Genetics
Classification: Uncertain significance for Inborn genetic diseases. Last evaluated: 2025-11-03. Review status: criteria provided, single submitter. Criteria: Ambry Variant Classification Scheme 2023. Collection method: clinical testing. Allele origin: germline.

Labcorp Genetics (formerly Invitae), Labcorp
Classification: Uncertain significance for COG7 congenital disorder of glycosylation. Last evaluated: 2022-11-05. Review status: criteria provided, single submitter. Criteria: Invitae Variant Classification Sherloc (09022015). Collection method: clinical testing. Allele origin: germline.
Comment: In summary, the available evidence is currently insufficient to determine the role of this variant in disease. Therefore, it has been classified as a Variant of Uncertain Significance. This sequence change replaces leucine, which is neutral and non-polar, with proline, which is neutral and non-polar, at codon 510 of the COG7 protein (p.Leu510Pro). This variant is present in population databases (rs202221877, gnomAD 0.008%). This variant has not been reported in the literature in individuals affected with COG7-related conditions. ClinVar contains an entry for this variant (Variation ID: 1032505). Advanced modeling of protein sequence and biophysical properties (such as structural, functional, and spatial information, amino acid conservation, physicochemical variation, residue mobility, and thermodynamic stability) performed at Invitae indicates that this missense variant is not expected to disrupt COG7 protein function.

Baylor Genetics
Classification: Uncertain significance for COG7 congenital disorder of glycosylation. Last evaluated: 2018-11-14. Review status: criteria provided, single submitter. Criteria: ACMG Guidelines, 2015. Collection method: clinical testing. Allele origin: unknown. Affected: yes.
Comment: This variant was determined to be of uncertain significance according to ACMG Guidelines, 2015 [PMID:25741868].